The following is an entry in ClinVar:

ClinVar aggregate classification (germline): Uncertain significance. Review status: criteria provided, multiple submitters, no conflicts (2 of 4 stars). 3 submissions from 3 submitters: Uncertain significance (3). Last evaluated 2025-02-28.

Allele frequency attached by ClinVar (database versions not stated): ExAC 0.00004; gnomAD exomes 0.00004 and 0.00005; gnomAD 0.00007 and 0.00008; TOPMed 0.00012.
gnomAD v4.1: 80 of 1,613,942 alleles (0.005%); highest among the groups gnomAD compares: Admixed American, 0.017%; no homozygotes.

Submissions (3):

GeneDx
Classification: Uncertain significance. Last evaluated: 2025-02-28. Review status: criteria provided, single submitter. Criteria: GeneDx Variant Classification Process June 2021. Collection method: clinical testing. Allele origin: germline. Affected: yes.
Comment: Reported with a second variant on the opposite allele (in trans) in two siblings with hearing loss in published literature (PMID: 39062730); In silico analysis supports that this missense variant has a deleterious effect on protein structure/function; This variant is associated with the following publications: (PMID: 34813128, 39062730, 34172899)

Labcorp Genetics (formerly Invitae), Labcorp
Classification: Uncertain significance. Last evaluated: 2023-08-24. Review status: criteria provided, single submitter. Criteria: Invitae Variant Classification Sherloc (09022015). Collection method: clinical testing. Allele origin: germline.
Comment: Advanced modeling of protein sequence and biophysical properties (such as structural, functional, and spatial information, amino acid conservation, physicochemical variation, residue mobility, and thermodynamic stability) performed at Invitae indicates that this missense variant is expected to disrupt KARS protein function. In summary, the available evidence is currently insufficient to determine the role of this variant in disease. Therefore, it has been classified as a Variant of Uncertain Significance. ClinVar contains an entry for this variant (Variation ID: 500839). This sequence change replaces threonine, which is neutral and polar, with methionine, which is neutral and non-polar, at codon 358 of the KARS protein (p.Thr358Met). This variant is present in population databases (rs765748296, gnomAD 0.02%). This missense change has been observed in individual(s) with clinical features of KARS-related conditions (PMID: 34172899).

Eurofins Ntd Llc (ga)
Classification: Uncertain significance. Last evaluated: 2017-03-31. Review status: criteria provided, single submitter. Criteria: EGL Classification Definitions 2015. Collection method: clinical testing. Allele origin: germline. Observed: 1 variant allele, 1 heterozygote.

Literature cited by the submitters: PubMed 34172899 (cited by Labcorp Genetics (formerly Invitae), Labcorp).

NM_005548.3(KARS1):c.989C>T (p.Thr330Met)

Gene: KARS1 (lysyl-tRNA synthetase 1; minus strand). Cytogenetic location: 16q23.1.
Variant type: single nucleotide variant.
Coding change: c.989C>T on transcript NM_005548.3 (MANE Select); coding-DNA position 989, C replaced by T.
Protein change: p.Thr330Met; replaces threonine 330 with methionine.
Molecular consequence: missense variant.
Genome position (GRCh38, 1-based): chr16:75,631,782, G>A on the plus strand (C>T on the coding strand, the complement: KARS1 is on the minus strand). VCF-style: chr16-75631782-G-A. GRCh37 (hg19) VCF-style: chr16-75665680-G-A.
Other names: c.1073C>T, p.Thr358Met (NM_001130089.2); c.521C>T, p.Thr174Met (NM_001378148.1); c.1073C>T (NM_001130089.1); short protein forms T358M, T330M, T174M.
Identifiers: ClinVar variation 500839 (VCV000500839.13), dbSNP rs765748296, ClinGen allele CA8177419.